The following is an entry in ClinVar:

NM_002519.3(NPAT):c.2246T>C (p.Phe749Ser)

Gene: NPAT (nuclear protein, coactivator of histone transcription; minus strand). Cytogenetic location: 11q22.3.
Variant type: single nucleotide variant.
Coding change: c.2246T>C on transcript NM_002519.3 (MANE Select); coding-DNA position 2246, T replaced by C.
Protein change: p.Phe749Ser; replaces phenylalanine 749 with serine.
Molecular consequence: missense variant.
Genome position (GRCh38, 1-based): chr11:108,172,738, A>G on the plus strand (T>C on the coding strand, the complement: NPAT is on the minus strand). VCF-style: chr11-108172738-A-G. GRCh37 (hg19) VCF-style: chr11-108043465-A-G.
Other names: c.2246T>C, p.Phe749Ser (NM_001321307.1); short protein forms F749S.
Identifiers: ClinVar variation 1788352 (VCV001788352.2), dbSNP rs2496718003, ClinGen allele CA382513379.
Genomic context (GRCh38, chr11:108,172,738, plus strand): 5'-GGCAGGTTTTCTCCATTAATACTAGAAACAGCACTGGTAAGTTCAGTATCTGAGGAAACA[A>G]ATGGATCATCACTAATGATAACTTTGAGAGAGACGATATTTGATGCATCTATCTCTGCTG-3'
Protein context (NP_002510.2, residues 739-759): SLKVIISDDP[Phe749Ser]VSSDTELTSA

ClinVar aggregate classification (germline): Uncertain significance (1 of 4 stars; one submission).

Submission:

Ambry Genetics
Classification: Uncertain significance. Last evaluated: 2022-10-15. Review status: criteria provided, single submitter. Criteria: Ambry Variant Classification Scheme 2023. Collection method: clinical testing. Allele origin: germline.
Comment: The p.F749S variant (also known as c.2246T>C), located in coding exon 13 of the NPAT gene, results from a T to C substitution at nucleotide position 2246. The phenylalanine at codon 749 is replaced by serine, an amino acid with highly dissimilar properties. This amino acid position is conserved. In addition, this alteration is predicted to be tolerated by in silico analysis. Since supporting evidence is limited at this time, the clinical significance of this alteration remains unclear.